The following is an entry in ClinVar:

NM_002769.5(PRSS1):c.327G>T (p.Met109Ile)

Genes: TRB (T cell receptor beta locus; plus strand), PRSS1 (serine protease 1; plus strand). Cytogenetic location: 7q34.
Variant type: single nucleotide variant.
Coding change: c.327G>T on transcript NM_002769.5 (MANE Select); coding-DNA position 327, G replaced by T.
Protein change: p.Met109Ile; replaces methionine 109 with isoleucine.
Molecular consequence: missense variant. On other transcripts: non-coding transcript variant (4).
Genome position (GRCh38, 1-based): chr7:142,751,900, G>T. VCF-style: chr7-142751900-G-T. GRCh37 (hg19) VCF-style: chr7-142459751-G-T.
Other names: short protein forms M109I.
Identifiers: ClinVar variation 1729727 (VCV001729727.4), dbSNP rs1798769780, ClinGen allele CA369608813.

ClinVar aggregate classification (germline): Uncertain significance (1 of 4 stars; one submission).

Conditions:
Hereditary pancreatitis (PCTT). Also called: Hereditary chronic pancreatitis; PRSS1-Related Hereditary Pancreatitis. Identifiers: Orphanet 676, MedGen C0238339, MONDO:0008185, OMIM 167800.

Submission:

Ambry Genetics
Classification: Uncertain significance for Hereditary pancreatitis. Last evaluated: 2025-10-17. Review status: criteria provided, single submitter. Criteria: Ambry Variant Classification Scheme 2023. Collection method: clinical testing. Allele origin: germline.
Comment: The p.M109I variant (also known as c.327G>T), located in coding exon 3 of the PRSS1 gene, results from a G to T substitution at nucleotide position 327. The methionine at codon 109 is replaced by isoleucine, an amino acid with highly similar properties. This amino acid position is conserved. In addition, the in silico prediction for this alteration is inconclusive. Since supporting evidence is limited at this time, the clinical significance of this alteration remains unclear.